The following is an entry in ClinVar:

ClinVar aggregate classification (germline): Pathogenic (1 of 4 stars; one submission).

Conditions:
Spastic paraplegia. Identifiers: MedGen C0037772, HP:0001258.

Submission:

Labcorp Genetics (formerly Invitae), Labcorp
Classification: Pathogenic for Spastic paraplegia. Last evaluated: 2022-06-18. Review status: criteria provided, single submitter. Criteria: Invitae Variant Classification Sherloc (09022015). Collection method: clinical testing. Allele origin: germline.
Comment: For these reasons, this variant has been classified as Pathogenic. This variant disrupts a region of the SACS protein in which other variant(s) (p.Asn4549Asp) have been determined to be pathogenic (PMID: 15156359, 21507954). This suggests that this is a clinically significant region of the protein, and that variants that disrupt it are likely to be disease-causing. This variant has not been reported in the literature in individuals affected with SACS-related conditions. This variant is not present in population databases (gnomAD no frequency). This sequence change creates a premature translational stop signal (p.Ser1454*) in the SACS gene. While this is not anticipated to result in nonsense mediated decay, it is expected to disrupt the last 3126 amino acid(s) of the SACS protein.

Literature cited by the submitters: PubMed 15156359; PubMed 21507954.

NM_014363.6(SACS):c.4361C>G (p.Ser1454Ter)

Gene: SACS (sacsin molecular chaperone; minus strand). Cytogenetic location: 13q12.12.
Variant type: single nucleotide variant.
Coding change: c.4361C>G on transcript NM_014363.6 (MANE Select); coding-DNA position 4361, C replaced by G.
Protein change: p.Ser1454Ter; replaces serine 1454 with a stop codon.
Molecular consequence: nonsense.
Genome position (GRCh38, 1-based): chr13:23,339,515, G>C on the plus strand (C>G on the coding strand, the complement: SACS is on the minus strand). VCF-style: chr13-23339515-G-C. GRCh37 (hg19) VCF-style: chr13-23913654-G-C.
Other names: c.3920C>G, p.Ser1307Ter (NM_001278055.2); short protein forms S1454*, S1307*.
Identifiers: ClinVar variation 2007828 (VCV002007828.4), dbSNP rs2542282814, ClinGen allele CA387529346.